The following is an entry in ClinVar:

ClinVar aggregate classification (germline): Uncertain significance (1 of 4 stars; one submission).

Conditions:
Immunodeficiency 28 (IMD28). Also called: IFNGR2 DEFICIENCY. Identifiers: Orphanet 319547, Orphanet 319574, MedGen C4013947, MONDO:0013953, OMIM 614889.

Allele frequency attached by ClinVar (database versions not stated): gnomAD exomes 0.00001; ExAC 0.00002; gnomAD 0.00003 and 0.00004; TOPMed 0.00003; ESP Exome Variant Server 0.00008.

Submission:

Labcorp Genetics (formerly Invitae), Labcorp
Classification: Uncertain significance for Immunodeficiency 28. Last evaluated: 2022-09-01. Review status: criteria provided, single submitter. Criteria: Invitae Variant Classification Sherloc (09022015). Collection method: clinical testing. Allele origin: germline.
Comment: This sequence change replaces threonine, which is neutral and polar, with isoleucine, which is neutral and non-polar, at codon 255 of the IFNGR2 protein (p.Thr255Ile). This variant is present in population databases (rs373582182, gnomAD 0.007%). This variant has not been reported in the literature in individuals affected with IFNGR2-related conditions. ClinVar contains an entry for this variant (Variation ID: 640908). Algorithms developed to predict the effect of missense changes on protein structure and function output the following: SIFT: "Tolerated"; PolyPhen-2: "Benign"; Align-GVGD: "Class C0". The isoleucine amino acid residue is found in multiple mammalian species, which suggests that this missense change does not adversely affect protein function. In summary, the available evidence is currently insufficient to determine the role of this variant in disease. Therefore, it has been classified as a Variant of Uncertain Significance.

NM_005534.4(IFNGR2):c.764C>T (p.Thr255Ile)

Genes: IFNGR2 (interferon gamma receptor 2; plus strand), TMEM50B (transmembrane protein 50B; minus strand). Cytogenetic location: 21q22.11.
Variant type: single nucleotide variant.
Coding change: c.764C>T on transcript NM_005534.4 (MANE Select); coding-DNA position 764, C replaced by T.
Protein change: p.Thr255Ile; replaces threonine 255 with isoleucine.
Molecular consequence: missense variant. On other transcripts: non-coding transcript variant (1).
Genome position (GRCh38, 1-based): chr21:33,432,756, C>T. VCF-style: chr21-33432756-C-T. GRCh37 (hg19) VCF-style: chr21-34805063-C-T.
Other names: c.821C>T, p.Thr274Ile (NM_001329128.2); short protein forms T274I, T255I.
Identifiers: ClinVar variation 640908 (VCV000640908.6), dbSNP rs373582182, ClinGen allele CA10007016.
Genomic context (GRCh38, chr21:33,432,756, plus strand): 5'-TTCGTGTCCTCTTTTTAGCCTCCACTGAGCTTCAGCAAGTCATCCTGATCTCCGTGGGAA[C>T]ATTTTCGTTGCTGTCGGTGCTGGCAGGAGCCTGTTTCTTCCTGGTCCTGAAATATAGAGG-3'
Protein context (NP_005525.2, residues 245-265): LQQVILISVG[Thr255Ile]FSLLSVLAGA